The following is an entry in ClinVar:

ClinVar aggregate classification (germline): Conflicting classifications of pathogenicity. Review status: criteria provided, conflicting classifications (1 of 4 stars). 2 submissions from 2 submitters: Likely pathogenic (1); Uncertain significance (1). Last evaluated 2020-07-17.

Conditions:
Intellectual developmental disorder, X-linked, syndromic 33. Also called: Intellectual disability, X-linked, syndromic 33; X-linked intellectual disability-global development delay-facial dysmorphism-sacral caudal remnant syndrome. Identifiers: Orphanet 480907, MedGen C4225418, MONDO:0010500, OMIM 300966.

Submissions (2):

Blueprint Genetics
Classification: Uncertain significance. Last evaluated: 2020-07-17. Review status: criteria provided, single submitter. Criteria: ACMG Guidelines, 2015. Collection method: clinical testing. Allele origin: germline.

Baylor Genetics
Classification: Likely pathogenic for Intellectual developmental disorder, X-linked, syndromic 33. Last evaluated: 2019-02-14. Review status: criteria provided, single submitter. Criteria: ACMG Guidelines, 2015. Collection method: clinical testing. Allele origin: de novo. Affected: yes.
Comment: This variant was determined to be likely pathogenic according to ACMG Guidelines, 2015 [PMID:25741868].

NM_004606.5(TAF1):c.2120G>A (p.Arg707Gln)

Gene: TAF1 (TATA-box binding protein associated factor 1; plus strand). Cytogenetic location: Xq13.1.
Variant type: single nucleotide variant.
Coding change: c.2120G>A on transcript NM_004606.5 (MANE Select); coding-DNA position 2120, G replaced by A.
Protein change: p.Arg707Gln; replaces arginine 707 with glutamine.
Molecular consequence: missense variant. On other transcripts: non-coding transcript variant (9).
Genome position (GRCh38, 1-based): chrX:71,384,134, G>A. VCF-style: chrX-71384134-G-A. GRCh37 (hg19) VCF-style: chrX-70603984-G-A.
Other names: c.2120G>A, p.Arg707Gln (NM_001286074.2); c.2057G>A, p.Arg686Gln (NM_138923.4); short protein forms R686Q, R707Q.
Identifiers: ClinVar variation 1028276 (VCV001028276.2), dbSNP rs1602490113, ClinGen allele CA413517405.